The following is an entry in ClinVar:

NM_004364.5(CEBPA):c.395del (p.Gly132fs)

Gene: CEBPA (CCAAT enhancer binding protein alpha; minus strand). Cytogenetic location: 19q13.11.
Variant type: Deletion.
Coding change: c.395del on transcript NM_004364.5 (MANE Select); coding-DNA position 395, one base deleted (G; older notation c.395delG).
Protein change: p.Gly132fs; shifts the reading frame from glycine 132.
Molecular consequence: frameshift variant.
Genome position (GRCh38, 1-based): chr19:33,302,020, C deleted on the plus strand (G on the coding strand, the reverse complement: CEBPA is on the minus strand); the first of 2 consecutive C bases (chr19:33,302,020-33,302,021); deleting either gives the same sequence. VCF-style (leftmost placement, unchanged base first): chr19-33302019-GC-G. GRCh37 (hg19) VCF-style: chr19-33792925-GC-G.
Other names: c.38del, p.Gly13fs (NM_001285829.2); c.500del, p.Gly167fs (NM_001287424.2); c.353del, p.Gly118fs (NM_001287435.2); c.395delG (NM_004364.3); short protein forms G118fs, G167fs, G132fs, G13fs.
Identifiers: ClinVar variation 4225023 (VCV004225023.1).

ClinVar aggregate classification (germline): Uncertain significance (1 of 4 stars; one submission).

Conditions:
Inborn genetic diseases. Identifiers: MedGen C0950123, MeSH D030342.

Submission:

Ambry Genetics
Classification: Uncertain significance for Inborn genetic diseases. Last evaluated: 2025-07-08. Review status: criteria provided, single submitter. Criteria: Ambry Variant Classification Scheme 2023. Collection method: clinical testing. Allele origin: germline.
Comment: The c.395delG variant, located in coding exon 1 of the CEBPA gene, results from a deletion of one nucleotide at nucleotide position 395, causing a translational frameshift with a predicted alternate stop codon (p.G132Afs*28). Premature termination codons are typically deleterious in nature; however, because CEBPA is a single-exon gene, this alteration is not expected to trigger nonsense-mediated mRNA decay, and an altered protein could still be expressed (Maquat LE. Nat Rev Mol Cell Biol, 2004 Feb;5:89-99). This alteration impacts the last 63% of the protein. This shortened protein is unlikely to be functional. However, loss of function of CEBPA has not been established as a mechanism of disease. Based on the available evidence, the clinical significance of this variant remains unclear.